The following is an entry in ClinVar:

ClinVar aggregate classification (germline): Likely pathogenic (1 of 4 stars; one submission).

Conditions:
Neonatal-onset encephalopathy with rigidity and seizures. Also called: Lethal neonatal spasticity-epileptic encephalopathy syndrome. Identifiers: Orphanet 435845, MedGen C3281029, MONDO:0013784, OMIM 614498.

Allele frequency attached by ClinVar (database versions not stated): gnomAD exomes below 0.00001.

Submission:

Labcorp Genetics (formerly Invitae), Labcorp
Classification: Likely pathogenic for Neonatal-onset encephalopathy with rigidity and seizures. Last evaluated: 2021-05-26. Review status: criteria provided, single submitter. Criteria: Invitae Variant Classification Sherloc (09022015). Collection method: clinical testing. Allele origin: germline.
Comment: This variant has not been reported in the literature in individuals with BRAT1-related conditions. In summary, the currently available evidence indicates that the variant is pathogenic, but additional data are needed to prove that conclusively. Therefore, this variant has been classified as Likely Pathogenic. Algorithms developed to predict the effect of sequence changes on RNA splicing suggest that this variant may disrupt the consensus splice site, but this prediction has not been confirmed by published transcriptional studies. This variant is not present in population databases (ExAC no frequency). This sequence change affects an acceptor splice site in intron 9 of the BRAT1 gene. It is expected to disrupt RNA splicing. Variants that disrupt the donor or acceptor splice site typically lead to a loss of protein function (PMID: 16199547), and loss-of-function variants in BRAT1 are known to be pathogenic (PMID: 22279524, 25500575).

Literature cited by the submitters: PubMed 16199547; PubMed 22279524; PubMed 25500575.

NM_152743.4(BRAT1):c.1322-2A>G

Gene: BRAT1 (BRCA1 associated ATM activator 1; minus strand). Cytogenetic location: 7p22.3.
Variant type: single nucleotide variant.
Coding change: c.1322-2A>G on transcript NM_152743.4 (MANE Select); the canonical splice acceptor site of the intron before coding-DNA position 1322, A replaced by G.
Molecular consequence: splice acceptor variant.
Genome position (GRCh38, 1-based): chr7:2,541,054, T>C on the plus strand (A>G on the coding strand, the complement: BRAT1 is on the minus strand). VCF-style: chr7-2541054-T-C. GRCh37 (hg19) VCF-style: chr7-2580688-T-C.
Other names: c.797-2A>G (NM_001350627.2); c.1322-2A>G (NM_001350626.2).
Identifiers: ClinVar variation 1491569 (VCV001491569.8), dbSNP rs2128390167, ClinGen allele CA366628840.